The following is an entry in ClinVar:

ClinVar aggregate classification (germline): Uncertain significance. Review status: criteria provided, multiple submitters, no conflicts (2 of 4 stars). 2 submissions from 2 submitters: Uncertain significance (2). Last evaluated 2025-08-11.

Allele frequency attached by ClinVar (database versions not stated): gnomAD 0.00001; TOPMed 0.00002.
gnomAD v4.1: 33 of 1,613,276 alleles (0.002%); highest among the groups gnomAD compares: South Asian, 0.0033%; no homozygotes.

Submissions (2):

Ambry Genetics
Classification: Uncertain significance. Last evaluated: 2025-08-11. Review status: criteria provided, single submitter. Criteria: Ambry Variant Classification Scheme 2023. Collection method: clinical testing. Allele origin: germline.

Labcorp Genetics (formerly Invitae), Labcorp
Classification: Uncertain significance. Last evaluated: 2022-01-17. Review status: criteria provided, single submitter. Criteria: Invitae Variant Classification Sherloc (09022015). Collection method: clinical testing. Allele origin: germline.
Comment: In summary, the available evidence is currently insufficient to determine the role of this variant in disease. Therefore, it has been classified as a Variant of Uncertain Significance. Algorithms developed to predict the effect of missense changes on protein structure and function output the following: SIFT: "Tolerated"; PolyPhen-2: "Benign"; Align-GVGD: "Class C0". The glycine amino acid residue is found in multiple mammalian species, which suggests that this missense change does not adversely affect protein function. This variant has not been reported in the literature in individuals affected with KANK2-related conditions. This variant is present in population databases (rs762081613, gnomAD 0.003%). This sequence change replaces arginine, which is basic and polar, with glycine, which is neutral and non-polar, at codon 566 of the KANK2 protein (p.Arg566Gly).

NM_001136191.3(KANK2):c.1696C>G (p.Arg566Gly)

Gene: KANK2 (KN motif and ankyrin repeat domains 2; minus strand). Cytogenetic location: 19p13.2.
Variant type: single nucleotide variant.
Coding change: c.1696C>G on transcript NM_001136191.3 (MANE Select); coding-DNA position 1696, C replaced by G.
Protein change: p.Arg566Gly; replaces arginine 566 with glycine.
Molecular consequence: missense variant.
Genome position (GRCh38, 1-based): chr19:11,176,642, G>C on the plus strand (C>G on the coding strand, the complement: KANK2 is on the minus strand). VCF-style: chr19-11176642-G-C. GRCh37 (hg19) VCF-style: chr19-11287318-G-C.
Other names: c.1696C>G, p.Arg566Gly (NM_001379555.1, NM_001379556.1, NM_001379557.1 and 7 more transcripts); c.1720C>G, p.Arg574Gly (NM_015493.7, NM_001379548.1, NM_001379549.1 and 5 more transcripts); c.1720C>G (NM_015493.6); short protein forms R566G, R574G.
Identifiers: ClinVar variation 2184779 (VCV002184779.6), dbSNP rs762081613, ClinGen allele CA9205562.